The following is an entry in ClinVar:

NM_000492.4(CFTR):c.40A>C (p.Lys14Gln)

Gene: CFTR (CF transmembrane conductance regulator; plus strand). Cytogenetic location: 7q31.2.
Variant type: single nucleotide variant.
Coding change: c.40A>C on transcript NM_000492.4 (MANE Select); coding-DNA position 40, A replaced by C.
Protein change: p.Lys14Gln; replaces lysine 14 with glutamine.
Molecular consequence: missense variant.
Genome position (GRCh38, 1-based): chr7:117,480,134, A>C. VCF-style: chr7-117480134-A-C. GRCh37 (hg19) VCF-style: chr7-117120188-A-C.
Other names: short protein forms K14Q.
Identifiers: ClinVar variation 1716614 (VCV001716614.5), dbSNP rs397508673, ClinGen allele CA368981294.
Genomic context (GRCh38, chr7:117,480,134, plus strand): 5'-GACCCCAGCGCCCGAGAGACCATGCAGAGGTCGCCTCTGGAAAAGGCCAGCGTTGTCTCC[A>C]AACTTTTTTTCAGGTGAGAAGGTGGCCAACCGAGCTTCGGAAAGACACGTGCCCACGAAA-3'
Protein context (NP_000483.3, residues 4-24): SPLEKASVVS[Lys14Gln]LFFSWTRPIL

ClinVar aggregate classification (germline): Uncertain significance (1 of 4 stars; one submission).

Conditions:
Cystic fibrosis (CF). Also called: MUCOVISCIDOSIS. Identifiers: Orphanet 586, MedGen C0010674, MONDO:0009061, OMIM 219700. Disease mechanism: loss of function.

Submission:

Labcorp Genetics (formerly Invitae), Labcorp
Classification: Uncertain significance for Cystic fibrosis. Last evaluated: 2022-08-17. Review status: criteria provided, single submitter. Criteria: Invitae Variant Classification Sherloc (09022015). Collection method: clinical testing. Allele origin: germline.
Comment: This sequence change replaces lysine, which is basic and polar, with glutamine, which is neutral and polar, at codon 14 of the CFTR protein (p.Lys14Gln). In summary, the available evidence is currently insufficient to determine the role of this variant in disease. Therefore, it has been classified as a Variant of Uncertain Significance. Algorithms developed to predict the effect of missense changes on protein structure and function output the following: SIFT: "Tolerated"; PolyPhen-2: "Benign"; Align-GVGD: "Class C0". The glutamine amino acid residue is found in multiple mammalian species, which suggests that this missense change does not adversely affect protein function. This variant has not been reported in the literature in individuals affected with CFTR-related conditions. This variant is not present in population databases (gnomAD no frequency).